The following is an entry in ClinVar:

ClinVar aggregate classification (germline): Uncertain significance (1 of 4 stars; one submission).

gnomAD v4.1: 2 of 1,566,216 alleles (0.00013%); highest among the groups gnomAD compares: Non-Finnish European, 0.000086%; no homozygotes.

Submission:

Labcorp Genetics (formerly Invitae), Labcorp
Classification: Uncertain significance. Last evaluated: 2024-06-17. Review status: criteria provided, single submitter. Criteria: Invitae Variant Classification Sherloc (09022015). Collection method: clinical testing. Allele origin: germline.
Comment: This sequence change replaces arginine, which is basic and polar, with histidine, which is basic and polar, at codon 577 of the TNFRSF11A protein (p.Arg577His). This variant is not present in population databases (gnomAD no frequency). This variant has not been reported in the literature in individuals affected with TNFRSF11A-related conditions. Algorithms developed to predict the effect of missense changes on protein structure and function output the following: SIFT: "Not Available"; PolyPhen-2: "Benign"; Align-GVGD: "Not Available". The histidine amino acid residue is found in multiple mammalian species, which suggests that this missense change does not adversely affect protein function. In summary, the available evidence is currently insufficient to determine the role of this variant in disease. Therefore, it has been classified as a Variant of Uncertain Significance.

NM_003839.4(TNFRSF11A):c.1730G>A (p.Arg577His)

Gene: TNFRSF11A (TNF receptor superfamily member 11a; plus strand). Cytogenetic location: 18q21.33.
Variant type: single nucleotide variant.
Coding change: c.1730G>A on transcript NM_003839.4 (MANE Select); coding-DNA position 1730, G replaced by A.
Protein change: p.Arg577His; replaces arginine 577 with histidine.
Molecular consequence: missense variant. On other transcripts: 3 prime UTR variant (1).
Genome position (GRCh38, 1-based): chr18:62,384,913, G>A. VCF-style: chr18-62384913-G-A. GRCh37 (hg19) VCF-style: chr18-60052146-G-A.
Other names: c.*154G>A (NM_001270949.2); c.893G>A, p.Arg298His (NM_001270950.2); c.779G>A, p.Arg260His (NM_001270951.2); c.1688G>A, p.Arg563His (NM_001278268.2); short protein forms R260H, R298H, R563H, R577H.
Identifiers: ClinVar variation 3613100 (VCV003613100.2).
Genomic context (GRCh38, chr18:62,384,913, plus strand): 5'-AGGGCGCGGCGGCGGCTGCGGAGCCCATGGGCCGCCCGGTGCAGGAGGAGACCCTGGCGC[G>A]CCGAGACTCCTTCGCGGGGAACGGCCCGCGCTTCCCGGACCCGTGCGGCGGCCCCGAGGG-3'
Protein context (NP_003830.1, residues 567-587): GRPVQEETLA[Arg577His]RDSFAGNGPR